The following is an entry in ClinVar:

NM_000019.4(ACAT1):c.890C>A (p.Thr297Lys)

Gene: ACAT1 (acetyl-CoA acetyltransferase 1; plus strand). Cytogenetic location: 11q22.3.
Variant type: single nucleotide variant.
Coding change: c.890C>A on transcript NM_000019.4 (MANE Select); coding-DNA position 890, C replaced by A.
Protein change: p.Thr297Lys; replaces threonine 297 with lysine.
Molecular consequence: missense variant.
Genome position (GRCh38, 1-based): chr11:108,142,500, C>A. VCF-style: chr11-108142500-C-A. GRCh37 (hg19) VCF-style: chr11-108013227-C-A.
Other names: short protein forms T297K.
Identifiers: ClinVar variation 666510 (VCV000666510.12), dbSNP rs886041122, ClinGen allele CA382508072.

ClinVar aggregate classification (germline): Pathogenic/Likely pathogenic. Review status: criteria provided, multiple submitters, no conflicts (2 of 4 stars). 3 submissions from 3 submitters: Pathogenic (1); Likely pathogenic (2). Last evaluated 2025-09-26.

Conditions:
Deficiency of acetyl-CoA acetyltransferase. Also called: 3-KETOTHIOLASE DEFICIENCY; 3-OXOTHIOLASE DEFICIENCY; Beta-ketothiolase deficiency; MITOCHONDRIAL ACETOACETYL-CoA THIOLASE DEFICIENCY. Identifiers: Orphanet 134, MedGen C1536500, MONDO:0008760, OMIM 203750. Disease mechanism: loss of function.

Allele frequency attached by ClinVar (database versions not stated): TOPMed 0.00002.
gnomAD v4.1: 14 of 1,614,002 alleles (0.00087%); highest among the groups gnomAD compares: African/African-American, 0.0013%; no homozygotes.

Submissions (3):

Natera, Inc.
Classification: Likely pathogenic for Alpha-methylacetoacetic aciduria. Last evaluated: 2025-09-26. Review status: criteria provided, single submitter. Criteria: Natera Variant Classification Schema (03/2026). Collection method: clinical testing. Allele origin: germline.
Comment: The c.890C>A variant in ACAT1 is a missense variant predicted to cause substitution of threonine to lysine at amino acid 297. This variant is rare in the general population with a frequency below the threshold expected for the associated phenotype(s). This variant has been observed in one or more individuals affected with the associated recessive disease, as either homozygous or compound heterozygous with a second variant (PMID: 28875337). A different variant at the same position has been determined to be Pathogenic or Likely Pathogenic. Computational prediction algorithms indicate this variant is likely to affect gene or protein function. Given the available evidence, this variant is classified as Likely Pathogenic.

Labcorp Genetics (formerly Invitae), Labcorp
Classification: Pathogenic for Deficiency of acetyl-CoA acetyltransferase. Last evaluated: 2024-02-27. Review status: criteria provided, single submitter. Criteria: Invitae Variant Classification Sherloc (09022015). Collection method: clinical testing. Allele origin: germline.
Comment: This sequence change replaces threonine, which is neutral and polar, with lysine, which is basic and polar, at codon 297 of the ACAT1 protein (p.Thr297Lys). This variant is present in population databases (no rsID available, gnomAD 0.007%). This missense change has been observed in individual(s) with beta-ketothiolase deficiency (PMID: 28875337). ClinVar contains an entry for this variant (Variation ID: 666510). Advanced modeling of protein sequence and biophysical properties (such as structural, functional, and spatial information, amino acid conservation, physicochemical variation, residue mobility, and thermodynamic stability) performed at Invitae indicates that this missense variant is expected to disrupt ACAT1 protein function with a positive predictive value of 80%. This variant disrupts the p.Thr297 amino acid residue in ACAT1. Other variant(s) that disrupt this residue have been determined to be pathogenic (PMID: 7728148, 7749408). This suggests that this residue is clinically significant, and that variants that disrupt this residue are likely to be disease-causing. For these reasons, this variant has been classified as Pathogenic.

Department of Pediatrics, Gifu University
Classification: Likely pathogenic for Deficiency of acetyl-CoA acetyltransferase. Last evaluated: 2019-05-05. Review status: criteria provided, single submitter. Criteria: ACMG Guidelines, 2015. Collection method: literature only. Allele origin: germline. Affected: yes. Observed: 1 variant allele.

Literature cited by the submitters: PubMed 28875337 (cited by Natera, Inc. and Labcorp Genetics (formerly Invitae), Labcorp); PubMed 7728148 (cited by Labcorp Genetics (formerly Invitae), Labcorp); PubMed 7749408 (cited by Labcorp Genetics (formerly Invitae), Labcorp); PubMed 31268215 (cited by Department of Pediatrics, Gifu University).